The following is an entry in ClinVar:

NM_001849.4(COL6A2):c.2951T>C (p.Val984Ala)

Gene: COL6A2 (collagen type VI alpha 2 chain; plus strand). Cytogenetic location: 21q22.3.
Variant type: single nucleotide variant.
Coding change: c.2951T>C on transcript NM_001849.4 (MANE Select); coding-DNA position 2951, T replaced by C.
Protein change: p.Val984Ala; replaces valine 984 with alanine.
Molecular consequence: missense variant.
Genome position (GRCh38, 1-based): chr21:46,132,443, T>C. VCF-style: chr21-46132443-T-C. GRCh37 (hg19) VCF-style: chr21-47552357-T-C.
Other names: short protein forms V984A.
Identifiers: ClinVar variation 4077248 (VCV004077248.1).
Genomic context (GRCh38, chr21:46,132,443, plus strand): 5'-TGCGCAAGCAGAACGTGGTACCCACCGTGCTGGCCTTGGGCAGCGACGTGGACATGGACG[T>C]GCTCACCACGCTCAGCCTGGGTGACCGCGCCGCCGTGTTCCACGAGAAGGACTATGACAG-3'
Protein context (NP_001840.3, residues 974-994): LALGSDVDMD[Val984Ala]LTTLSLGDRA

ClinVar aggregate classification (germline): Uncertain significance (1 of 4 stars; one submission).

gnomAD v4.1: 2 of 1,606,686 alleles (0.00012%); highest among the groups gnomAD compares: Admixed American, 0.0033%; no homozygotes.

Submission:

GeneDx
Classification: Uncertain significance. Last evaluated: 2025-02-23. Review status: criteria provided, single submitter. Criteria: GeneDx Variant Classification Process June 2021. Collection method: clinical testing. Allele origin: germline. Affected: yes.
Comment: In silico analysis indicates that this missense variant does not alter protein structure/function; Has not been previously published as pathogenic or benign to our knowledge